The following is an entry in ClinVar:

NM_000030.3(AGXT):c.830delinsAA (p.Ala277fs)

Gene: AGXT (alanine--glyoxylate aminotransferase; plus strand). Cytogenetic location: 2q37.3.
Variant type: Indel.
Coding change: c.830delinsAA on transcript NM_000030.3 (MANE Select); coding-DNA position 830, C replaced by AA.
Protein change: p.Ala277fs; shifts the reading frame from alanine 277.
Molecular consequence: frameshift variant.
Genome position (GRCh38, 1-based): chr2:240,875,988, C replaced by AA. VCF-style: chr2-240875988-C-AA. GRCh37 (hg19) VCF-style: chr2-241815405-C-AA.
Other names: short protein forms A277fs.
Identifiers: ClinVar variation 2681192 (VCV002681192.1), dbSNP rs2528758415, ClinGen allele CA2695197718.

ClinVar aggregate classification (germline): Pathogenic (1 of 4 stars; one submission).

Conditions:
Primary hyperoxaluria, type I (HP1). Also called: OXALOSIS I; Primary hyperoxaluria type 1; GLYCOLIC ACIDURIA; HEPATIC AGT DEFICIENCY. Identifiers: Orphanet 416, Orphanet 93598, MedGen C0268164, MONDO:0009823, OMIM 259900. Disease mechanism: loss of function.

Submission:

Clinical Biochemistry Laboratory, Health Services Laboratory
Classification: Pathogenic for Primary hyperoxaluria, type I. Last evaluated: 2023-10-27. Review status: criteria provided, single submitter. Criteria: ACMG Guidelines, 2015. Collection method: clinical testing. Allele origin: germline. Affected: yes.
Comment: ACMG:PVS1 PS3 PM2